The following is an entry in ClinVar:

NM_001080517.3(SETD5):c.3476_3477del (p.Gln1159fs)

Gene: SETD5 (SET domain containing 5; plus strand). Cytogenetic location: 3p25.3.
Variant type: Deletion.
Coding change: c.3476_3477del on transcript NM_001080517.3 (MANE Select); coding-DNA positions 3476 to 3477, 2 bases deleted (AA; older notation c.3476_3477delAA).
Protein change: p.Gln1159fs; shifts the reading frame from glutamine 1159.
Molecular consequence: frameshift variant.
Genome position (GRCh38, 1-based): chr3:9,473,516-9,473,517, AA deleted. VCF-style (leftmost placement, unchanged base first): chr3-9473515-CAA-C. GRCh37 (hg19) VCF-style: chr3-9515199-CAA-C.
Other names: c.3182_3183del, p.Gln1061fs (NM_001292043.2, NM_001349451.2); short protein forms Q1061fs, Q1159fs.
Identifiers: ClinVar variation 2431600 (VCV002431600.1), dbSNP rs2473898987, ClinGen allele CA2580070735.

ClinVar aggregate classification (germline): Likely pathogenic (1 of 4 stars; one submission).

Conditions:
Intellectual disability-facial dysmorphism syndrome due to SETD5 haploinsufficiency (MRD23). Also called: Intellectual developmental disorder, autosomal dominant 23. Identifiers: Orphanet 404440, MedGen C3810406, MONDO:0014336, OMIM 615761.

Submission:

Laboratorio de Genetica e Diagnostico Molecular, Hospital Israelita Albert Einstein
Classification: Likely pathogenic for Intellectual disability-facial dysmorphism syndrome due to SETD5 haploinsufficiency. Last evaluated: 2022-11-04. Review status: criteria provided, single submitter. Criteria: ACMG Guidelines, 2015. Collection method: clinical testing. Allele origin: germline. Affected: yes. Observed: 1 variant allele.
Comment: ACMG classification criteria: PVS1 very strong, PM2 moderated